The following is an entry in ClinVar:

NM_003468.4(FZD5):c.1603A>C (p.Ser535Arg)

Genes: FZD5 (frizzled class receptor 5; minus strand), LOC129935506 (ATAC-STARR-seq lymphoblastoid silent region 12284; plus strand). Cytogenetic location: 2q33.3.
Variant type: single nucleotide variant.
Coding change: c.1603A>C on transcript NM_003468.4 (MANE Select); coding-DNA position 1603, A replaced by C.
Protein change: p.Ser535Arg; replaces serine 535 with arginine.
Molecular consequence: missense variant.
Genome position (GRCh38, 1-based): chr2:207,767,137, T>G on the plus strand (A>C on the coding strand, the complement: FZD5 is on the minus strand). VCF-style: chr2-207767137-T-G. GRCh37 (hg19) VCF-style: chr2-208631861-T-G.
Other names: short protein forms S535R.
Identifiers: ClinVar variation 4537804 (VCV004537804.1).
Genomic context (GRCh38, chr2:207,767,137, plus strand): 5'-CCCCTGCGGCCATGGCGCCCCCGCTCTTGTGGCCGCGCCGCGGGCGGCAGCAGCAGCGGC[T>G]GGTGAAACGCCGCCACGACTCCACCGTCTTGCCCGACCAGATCCAGACGCCCGACGTGAT-3'
Protein context (NP_003459.2, residues 525-545): KTVESWRRFT[Ser535Arg]RCCCRPRRGH

ClinVar aggregate classification (germline): Uncertain significance (1 of 4 stars; one submission).

Submission:

GeneDx
Classification: Uncertain significance. Last evaluated: 2025-06-13. Review status: criteria provided, single submitter. Criteria: GeneDx Variant Classification Process June 2021. Collection method: clinical testing. Allele origin: germline. Affected: yes.
Comment: Not observed at significant frequency in large population cohorts (gnomAD); In silico analysis suggests that this missense variant does not alter protein structure/function; Has not been previously published as pathogenic or benign to our knowledge